The following is an entry in ClinVar:

NM_003705.5(SLC25A12):c.1777G>A (p.Val593Ile)

Gene: SLC25A12 (solute carrier family 25 member 12; minus strand). Cytogenetic location: 2q31.1.
Variant type: single nucleotide variant.
Coding change: c.1777G>A on transcript NM_003705.5 (MANE Select); coding-DNA position 1777, G replaced by A.
Protein change: p.Val593Ile; replaces valine 593 with isoleucine.
Molecular consequence: missense variant. On other transcripts: non-coding transcript variant (1).
Genome position (GRCh38, 1-based): chr2:171,787,629, C>T on the plus strand (G>A on the coding strand, the complement: SLC25A12 is on the minus strand). VCF-style: chr2-171787629-C-T. GRCh37 (hg19) VCF-style: chr2-172644139-C-T.
Other names: short protein forms V593I.
Identifiers: ClinVar variation 406563 (VCV000406563.10), dbSNP rs1060501189, ClinGen allele CA16610268.

ClinVar aggregate classification (germline): Uncertain significance (1 of 4 stars; one submission).

Submission:

Labcorp Genetics (formerly Invitae), Labcorp
Classification: Uncertain significance. Last evaluated: 2016-07-13. Review status: criteria provided, single submitter. Criteria: Invitae Variant Classification Sherloc (09022015). Collection method: clinical testing. Allele origin: germline.
Comment: In summary, this variant is a novel missense change that is not predicted to affect protein function. There is no indication that it causes disease, but the available evidence is currently insufficient to prove that conclusively. Therefore, it has been classified as a Variant of Uncertain Significance. Algorithms developed to predict the effect of missense changes on protein structure and function (SIFT, PolyPhen-2, Align-GVGD) all suggest that this variant is likely to be tolerated, but these predictions have not been confirmed by published functional studies. This variant is not present in population databases (ExAC no frequency) and has not been reported in the literature in individuals with a SLC25A12-related disease. This sequence change replaces valine with isoleucine at codon 593 of the SLC25A12 protein (p.Val593Ile). The valine residue is highly conserved and there is a small physicochemical difference between valine and isoleucine.